The following is an entry in ClinVar:

NM_000548.5(TSC2):c.3506C>T (p.Ala1169Val)

Gene: TSC2 (TSC complex subunit 2; plus strand). Cytogenetic location: 16p13.3.
Variant type: single nucleotide variant.
Coding change: c.3506C>T on transcript NM_000548.5 (MANE Select); coding-DNA position 3506, C replaced by T.
Protein change: p.Ala1169Val; replaces alanine 1169 with valine.
Molecular consequence: missense variant. On other transcripts: non-coding transcript variant (5).
Genome position (GRCh38, 1-based): chr16:2,080,273, C>T. VCF-style: chr16-2080273-C-T. GRCh37 (hg19) VCF-style: chr16-2130274-C-T.
Other names: c.3374C>T, p.Ala1125Val (NM_001077183.3, NM_001370404.1, NM_001406665.1); c.3506C>T, p.Ala1169Val (NM_001114382.3); c.3266C>T, p.Ala1089Val (NM_001318827.2); c.3230C>T, p.Ala1077Val (NM_001318829.2); c.2774C>T, p.Ala925Val (NM_001318831.2, NM_001406687.1, NM_001406688.1); c.3407C>T, p.Ala1136Val (NM_001318832.2); c.3377C>T, p.Ala1126Val (NM_001363528.2, NM_001370405.1, NM_021055.3); c.3503C>T, p.Ala1168Val (NM_001406663.1, NM_001406664.1); and 18 more; short protein forms A1136V, A1155V, A1156V, A721V, A925V, A926V, A1088V, A1119V.
Identifiers: ClinVar variation 2692461 (VCV002692461.5), dbSNP rs1171383859, ClinGen allele CA394289239.

ClinVar aggregate classification (germline): Uncertain significance. Review status: criteria provided, multiple submitters, no conflicts (2 of 4 stars). 3 submissions from 3 submitters: Uncertain significance (3). Last evaluated 2026-07-02.

Conditions:
Tuberous sclerosis 2 (TSC2). Identifiers: Orphanet 805, MedGen C1860707, MONDO:0013199, OMIM 613254.
Hereditary cancer-predisposing syndrome. Also called: Hereditary neoplastic syndrome; Hereditary Cancer Syndrome; Neoplastic Syndromes, Hereditary; Tumor predisposition. Identifiers: Orphanet 140162, MedGen C0027672, MeSH D009386, MONDO:0015356.

Allele frequency attached by ClinVar (database versions not stated): gnomAD exomes below 0.00001; TOPMed below 0.00001.
gnomAD v4.1: 2 of 1,613,018 alleles (0.00012%); highest among the groups gnomAD compares: Admixed American, 0.0017%; no homozygotes.

Submissions (3):

Ambry Genetics
Classification: Uncertain significance for Hereditary cancer-predisposing syndrome. Last evaluated: 2026-07-02. Review status: criteria provided, single submitter. Criteria: Ambry Variant Classification Scheme 2023. Collection method: clinical testing. Allele origin: germline.
Comment: The p.A1169V variant (also known as c.3506C>T), located in coding exon 29 of the TSC2 gene, results from a C to T substitution at nucleotide position 3506. The alanine at codon 1169 is replaced by valine, an amino acid with similar properties. This amino acid position is conserved. In addition, the in silico prediction for this alteration is inconclusive. Based on the available evidence, the clinical significance of this variant remains unclear.

Labcorp Genetics (formerly Invitae), Labcorp
Classification: Uncertain significance for Tuberous sclerosis 2. Last evaluated: 2025-12-08. Review status: criteria provided, single submitter. Criteria: Invitae Variant Classification Sherloc (09022015). Collection method: clinical testing. Allele origin: germline.
Comment: This sequence change replaces alanine, which is neutral and non-polar, with valine, which is neutral and non-polar, at codon 1169 of the TSC2 protein (p.Ala1169Val). This variant is not present in population databases (gnomAD no frequency). This variant has not been reported in the literature in individuals affected with TSC2-related conditions. ClinVar contains an entry for this variant (Variation ID: 2692461). Invitae Evidence Modeling of protein sequence and biophysical properties (such as structural, functional, and spatial information, amino acid conservation, physicochemical variation, residue mobility, and thermodynamic stability) indicates that this missense variant is not expected to disrupt TSC2 protein function with a negative predictive value of 95%. In summary, the available evidence is currently insufficient to determine the role of this variant in disease. Therefore, it has been classified as a Variant of Uncertain Significance.

Greenwood Genetic Center Diagnostic Laboratories, Greenwood Genetic Center
Classification: Uncertain significance. Last evaluated: 2023-11-15. Review status: criteria provided, single submitter. Criteria: ACMG Guidelines, 2015. Collection method: clinical testing. Allele origin: germline. Affected: yes.
Comment: PM2, BP4